The following is an entry in ClinVar:

NM_180989.6(GPR180):c.465C>T (p.Ala155=)

Gene: GPR180 (G protein-coupled receptor 180; plus strand). Cytogenetic location: 13q32.1.
Variant type: single nucleotide variant.
Coding change: c.465C>T on transcript NM_180989.6 (MANE Select); coding-DNA position 465, C replaced by T.
Protein change: p.Ala155=; no amino-acid change (alanine 155 retained).
Molecular consequence: synonymous variant.
Genome position (GRCh38, 1-based): chr13:94,612,350, C>T. VCF-style: chr13-94612350-C-T. GRCh37 (hg19) VCF-style: chr13-95264604-C-T.
Identifiers: ClinVar variation 3060414 (VCV003060414.2), dbSNP rs9524559, ClinGen allele CA7018353.

ClinVar aggregate classification (germline): Benign (0 of 4 stars; one submission).

Conditions:
GPR180-related disorder. Also called: GPR180-related condition.

Allele frequency attached by ClinVar (database versions not stated): 1000 Genomes Project 30x 0.27733; 1000 Genomes Project 0.27995; TOPMed 0.29427; gnomAD 0.30737; ESP Exome Variant Server 0.31585; ExAC 0.33147.
gnomAD v4.1: 576,059 of 1,608,524 alleles (36%); highest among the groups gnomAD compares: Non-Finnish European, 38%; 105,845 homozygotes.

Submission:

PreventionGenetics, part of Exact Sciences
Classification: Benign for GPR180-related condition. Last evaluated: 2019-10-18. Review status: no assertion criteria provided. Collection method: clinical testing. Allele origin: germline.
Comment: This variant is classified as benign based on ACMG/AMP sequence variant interpretation guidelines (Richards et al. 2015 PMID: 25741868, with internal and published modifications).